The following is an entry in ClinVar:

NM_000543.5(SMPD1):c.1361C>T (p.Ala454Val)

Gene: SMPD1 (sphingomyelin phosphodiesterase 1; plus strand). Cytogenetic location: 11p15.4.
Variant type: single nucleotide variant.
Coding change: c.1361C>T on transcript NM_000543.5 (MANE Select); coding-DNA position 1361, C replaced by T.
Protein change: p.Ala454Val; replaces alanine 454 with valine.
Molecular consequence: missense variant. On other transcripts: non-coding transcript variant (2).
Genome position (GRCh38, 1-based): chr11:6,393,916, C>T. VCF-style: chr11-6393916-C-T. GRCh37 (hg19) VCF-style: chr11-6415146-C-T.
Other names: c.1358C>T, p.Ala453Val (NM_001007593.3); c.1361C>T, p.Ala454Val (NM_001318087.2); c.440C>T, p.Ala147Val (NM_001318088.2); c.1229C>T, p.Ala410Val (NM_001365135.2); short protein forms A454V, A147V, A453V, A410V.
Identifiers: ClinVar variation 554055 (VCV000554055.6), dbSNP rs1402734026, ClinGen allele CA379374842.

ClinVar aggregate classification (germline): Conflicting classifications of pathogenicity. Review status: criteria provided, conflicting classifications (1 of 4 stars). 3 submissions from 3 submitters: Likely pathogenic (1); Uncertain significance (1). 1 of the submissions does not count toward it. Last evaluated 2024-12-09.

Conditions:
Niemann-Pick disease, type A. Also called: SPHINGOMYELIN LIPIDOSIS; SPHINGOMYELINASE DEFICIENCY; Infantile Neurovisceral ASMD (Niemann-Pick Disease Type A; NPD-A). Identifiers: Orphanet 77292, MedGen C0268242, MONDO:0009756, OMIM 257200. Disease mechanism: loss of function.
Niemann-Pick disease, type B. Also called: Chronic Visceral ASMD (Niemann-Pick Disease Type B; NPD-B). Identifiers: Orphanet 77293, MedGen C0268243, MONDO:0011871, OMIM 607616. Disease mechanism: loss of function.

Allele frequency attached by ClinVar (database versions not stated): gnomAD exomes below 0.00001 and 0.00001.
gnomAD v4.1: 2 of 1,614,170 alleles (0.00012%); highest among the groups gnomAD compares: Admixed American, 0.0033%; no homozygotes.

Submissions (3):

Labcorp Genetics (formerly Invitae), Labcorp
Classification: Uncertain significance for Niemann-Pick disease, type B; Niemann-Pick disease, type A. Last evaluated: 2024-12-09. Review status: criteria provided, single submitter. Criteria: Invitae Variant Classification Sherloc (09022015). Collection method: clinical testing. Allele origin: germline.
Comment: This sequence change replaces alanine, which is neutral and non-polar, with valine, which is neutral and non-polar, at codon 454 of the SMPD1 protein (p.Ala454Val). This variant is present in population databases (no rsID available, gnomAD 0.006%). This missense change has been observed in individual(s) with clinical features of Niemann-Pick disease (PMID: 12369017). ClinVar contains an entry for this variant (Variation ID: 554055). Invitae Evidence Modeling of protein sequence and biophysical properties (such as structural, functional, and spatial information, amino acid conservation, physicochemical variation, residue mobility, and thermodynamic stability) has been performed for this missense variant. However, the output from this modeling did not meet the statistical confidence thresholds required to predict the impact of this variant on SMPD1 protein function. In summary, the available evidence is currently insufficient to determine the role of this variant in disease. Therefore, it has been classified as a Variant of Uncertain Significance.

GeneDx
Classification: Likely pathogenic. Last evaluated: 2022-10-18. Review status: criteria provided, single submitter. Criteria: GeneDx Variant Classification Process June 2021. Collection method: clinical testing. Allele origin: germline. Affected: yes.
Comment: Identified in a cohort of patients with Type B Niemann-Pick Disease, although the number of patients harboring this variant (aka A452V) nor clinical details were provided (Simonaro et al., 2002); Not observed at significant frequency in large population cohorts (gnomAD); In silico analysis supports that this missense variant has a deleterious effect on protein structure/function; This variant is associated with the following publications: (PMID: 12369017)

Counsyl
Classification: Uncertain significance for Niemann-Pick disease, type A. Last evaluated: 2017-10-07. Review status: no assertion criteria provided. Collection method: clinical testing. Allele origin: unknown. Not counted in ClinVar's aggregate classification.

Literature cited by the submitters: PubMed 12369017 (cited by Labcorp Genetics (formerly Invitae), Labcorp and Counsyl).